The following is an entry in ClinVar:

ClinVar aggregate classification (germline): Likely pathogenic. Review status: criteria provided, multiple submitters, no conflicts (2 of 4 stars). 2 submissions from 2 submitters: Likely pathogenic (2). Last evaluated 2024-01-27.

Conditions:
Bardet-Biedl syndrome (BBS). Identifiers: Orphanet 110, MedGen C0752166, MONDO:0015229.
Bardet-Biedl syndrome 9 (BBS9). Identifiers: Orphanet 110, MedGen C1859567, MONDO:0014437, OMIM 615986.

Allele frequency attached by ClinVar (database versions not stated): TOPMed below 0.00001; gnomAD 0.00001.
gnomAD v4.1: 1 of 1,614,114 alleles (0.000062%); highest among the groups gnomAD compares: Non-Finnish European, 0.000085%; no homozygotes.

Submissions (2):

Labcorp Genetics (formerly Invitae), Labcorp
Classification: Likely pathogenic for Bardet-Biedl syndrome. Last evaluated: 2024-01-27. Review status: criteria provided, single submitter. Criteria: Invitae Variant Classification Sherloc (09022015). Collection method: clinical testing. Allele origin: germline.
Comment: This sequence change affects an acceptor splice site in intron 20 of the BBS9 gene. It is expected to disrupt RNA splicing. Variants that disrupt the donor or acceptor splice site typically lead to a loss of protein function (PMID: 16199547), and loss-of-function variants in BBS9 are known to be pathogenic (PMID: 16380913, 20177705). This variant is not present in population databases (gnomAD no frequency). This variant has not been reported in the literature in individuals affected with BBS9-related conditions. Algorithms developed to predict the effect of sequence changes on RNA splicing suggest that this variant may disrupt the consensus splice site. In summary, the currently available evidence indicates that the variant is pathogenic, but additional data are needed to prove that conclusively. Therefore, this variant has been classified as Likely Pathogenic.

Baylor Genetics
Classification: Likely pathogenic for Bardet-Biedl syndrome 9. Last evaluated: 2021-12-23. Review status: criteria provided, single submitter. Criteria: ACMG Guidelines, 2015. Collection method: clinical testing. Allele origin: unknown.

Literature cited by the submitters: PubMed 16199547 (cited by Labcorp Genetics (formerly Invitae), Labcorp); PubMed 16380913 (cited by Labcorp Genetics (formerly Invitae), Labcorp); PubMed 20177705 (cited by Labcorp Genetics (formerly Invitae), Labcorp).

NM_198428.3(BBS9):c.2299-2A>C

Gene: BBS9 (Bardet-Biedl syndrome 9; plus strand). Cytogenetic location: 7p14.3.
Variant type: single nucleotide variant.
Coding change: c.2299-2A>C on transcript NM_198428.3 (MANE Select); the canonical splice acceptor site of the intron before coding-DNA position 2299, A replaced by C.
Molecular consequence: splice acceptor variant.
Genome position (GRCh38, 1-based): chr7:33,533,952, A>C. VCF-style: chr7-33533952-A-C. GRCh37 (hg19) VCF-style: chr7-33573564-A-C.
Other names: c.2299-2A>C (NM_001348036.1, NM_001362679.1, NM_001348041.4 and 1 more transcripts); c.2026-2A>C (NM_001348038.3); c.1921-2A>C (NM_001348039.3); c.2284-2A>C (NM_001033605.2); c.2194-2A>C (NM_001033604.2); c.2179-2A>C (NM_014451.4, NM_001348040.3); c.1750-2A>C (NM_001348037.3); c.2164-2A>C (NM_001348042.3); and 2 more.
Identifiers: ClinVar variation 2680110 (VCV002680110.4), dbSNP rs1251539456, ClinGen allele CA367256674.
Genomic context (GRCh38, chr7:33,533,952, plus strand): 5'-TCAAGTGCCCACTTTTCTTATTGTCATCTTTGTATTAATTCAAAATTGGCTTTTGTATCC[A>C]GGGCTGGGAAGAAACGGTGGATGCCGCCATTTCCCACCTGTTGAAGACTTGCCTGTCGAA-3'